The following is an entry in ClinVar:

NM_000701.8(ATP1A1):c.1579G>A (p.Glu527Lys)

Genes: ATP1A1 (ATPase Na+/K+ transporting subunit alpha 1; plus strand), ATP1A1-AS1 (ATP1A1 antisense RNA 1; minus strand). Cytogenetic location: 1p13.1.
Variant type: single nucleotide variant.
Coding change: c.1579G>A on transcript NM_000701.8 (MANE Select); coding-DNA position 1579, G replaced by A.
Protein change: p.Glu527Lys; replaces glutamic acid 527 with lysine.
Molecular consequence: missense variant.
Genome position (GRCh38, 1-based): chr1:116,393,642, G>A. VCF-style: chr1-116393642-G-A. GRCh37 (hg19) VCF-style: chr1-116936264-G-A.
Other names: c.1579G>A, p.Glu527Lys (NM_001160233.2); c.1486G>A, p.Glu496Lys (NM_001160234.2); short protein forms E527K, E496K.
Identifiers: ClinVar variation 3667954 (VCV003667954.2).

ClinVar aggregate classification (germline): Uncertain significance (1 of 4 stars; one submission).

gnomAD v4.1: 3 of 1,614,190 alleles (0.00019%); highest among the groups gnomAD compares: Admixed American, 0.005%; no homozygotes.

Submission:

Labcorp Genetics (formerly Invitae), Labcorp
Classification: Uncertain significance. Last evaluated: 2025-01-30. Review status: criteria provided, single submitter. Criteria: Invitae Variant Classification Sherloc (09022015). Collection method: clinical testing. Allele origin: germline.
Comment: This sequence change replaces glutamic acid, which is acidic and polar, with lysine, which is basic and polar, at codon 527 of the ATP1A1 protein (p.Glu527Lys). This variant is present in population databases (no rsID available, gnomAD 0.01%). This variant has not been reported in the literature in individuals affected with ATP1A1-related conditions. Invitae Evidence Modeling of protein sequence and biophysical properties (such as structural, functional, and spatial information, amino acid conservation, physicochemical variation, residue mobility, and thermodynamic stability) indicates that this missense variant is not expected to disrupt ATP1A1 protein function with a negative predictive value of 95%. In summary, the available evidence is currently insufficient to determine the role of this variant in disease. Therefore, it has been classified as a Variant of Uncertain Significance.